The following is an entry in ClinVar:

ClinVar aggregate classification (germline): Conflicting classifications of pathogenicity. Review status: criteria provided, conflicting classifications (1 of 4 stars). 2 submissions from 2 submitters: Uncertain significance (1); Likely benign (1). Last evaluated 2024-08-16.

Conditions:
Malignant hyperthermia, susceptibility to, 1 (MHS1). Also called: RYR1-Related Malignant Hyperthermia Susceptibility; Anesthesia related hyperthermia; Malignant hyperpyrexia; Fulminating hyperpyrexia; Pharmacogenic myopathy; Malignant hyperthermia suceptibility 1. Identifiers: Orphanet 423, MedGen C2930980, MONDO:0007783, OMIM 145600.
RYR1-related disorder. Also called: RYR1-related condition; RYR1-related disorders. Identifiers: MedGen CN239331.

Allele frequency attached by ClinVar (database versions not stated): gnomAD exomes 0.00001 and 0.00003; ExAC 0.00003; TOPMed 0.00003; gnomAD 0.00004.
gnomAD v4.1: 20 of 1,608,364 alleles (0.0012%); highest among the groups gnomAD compares: African/African-American, 0.0067%; no homozygotes.

Submissions (2):

Labcorp Genetics (formerly Invitae), Labcorp
Classification: Likely benign for RYR1-related disorder. Last evaluated: 2024-08-16. Review status: criteria provided, single submitter. Criteria: Invitae Variant Classification Sherloc (09022015). Collection method: clinical testing. Allele origin: germline.

All of Us Research Program, National Institutes of Health
Classification: Uncertain significance for Malignant hyperthermia, susceptibility to, 1. Last evaluated: 2023-12-01. Review status: criteria provided, single submitter. Criteria: ACMG Guidelines, 2015. Collection method: clinical testing. Allele origin: germline. Inheritance: Autosomal dominant inheritance. Observed: 2 variant alleles, 2 heterozygotes.
Comment: This variant is located in the RYR1 protein. To our knowledge, functional studies have not been reported for this variant. This variant has not been reported in individuals affected with RYR1-related disorders in the literature. This variant has been identified in 8/269130 chromosomes in the general population by the Genome Aggregation Database (gnomAD). The available evidence is insufficient to determine the role of this variant in disease conclusively. Therefore, this variant is classified as a Variant of Uncertain Significance.

This study involves interpretation of variants in research participants for the purpose of population health screening. Participant phenotype was not available at the time of variant classification. Additional details can be found in publication PMID: 35346344, PMCID: PMC8962531

NM_000540.3(RYR1):c.72C>T (p.Ser24=)

Gene: RYR1 (ryanodine receptor 1; plus strand). Cytogenetic location: 19q13.2.
Variant type: single nucleotide variant.
Coding change: c.72C>T on transcript NM_000540.3 (MANE Select); coding-DNA position 72, C replaced by T.
Protein change: p.Ser24=; no amino-acid change (serine 24 retained).
Molecular consequence: synonymous variant.
Genome position (GRCh38, 1-based): chr19:38,440,771, C>T. VCF-style: chr19-38440771-C-T. GRCh37 (hg19) VCF-style: chr19-38931411-C-T.
Other names: c.72C>T, p.Ser24= (NM_001042723.2).
Identifiers: ClinVar variation 544474 (VCV000544474.9), dbSNP rs754645461, ClinGen allele CA069463.